The following is an entry in ClinVar:

NM_020207.7(ERCC6L2):c.1252C>G (p.Pro418Ala)

Gene: ERCC6L2 (ERCC excision repair 6 like 2; plus strand). Cytogenetic location: 9q22.32.
Variant type: single nucleotide variant.
Coding change: c.1252C>G on transcript NM_020207.7 (MANE Select); coding-DNA position 1252, C replaced by G.
Protein change: p.Pro418Ala; replaces proline 418 with alanine.
Molecular consequence: missense variant. On other transcripts: non-coding transcript variant (1).
Genome position (GRCh38, 1-based): chr9:95,921,268, C>G. VCF-style: chr9-95921268-C-G. GRCh37 (hg19) VCF-style: chr9-98683550-C-G.
Other names: c.1252C>G, p.Pro418Ala (NM_001010895.4, NM_001375291.1, NM_001375292.1 and 2 more transcripts); short protein forms P418A.
Identifiers: ClinVar variation 3509994 (VCV003509994.1).

ClinVar aggregate classification (germline): Uncertain significance (1 of 4 stars; one submission).

Conditions:
Inborn genetic diseases. Identifiers: MedGen C0950123, MeSH D030342.

gnomAD v4.1: 1 of 1,613,518 alleles (0.000062%); highest among the groups gnomAD compares: African/African-American, 0.0013%; no homozygotes.

Submission:

Ambry Genetics
Classification: Uncertain significance for Inborn genetic diseases. Last evaluated: 2024-11-26. Review status: criteria provided, single submitter. Criteria: Ambry Variant Classification Scheme 2023. Collection method: clinical testing. Allele origin: germline.
Comment: The p.P418A variant (also known as c.1252C>G), located in coding exon 7 of the ERCC6L2 gene, results from a C to G substitution at nucleotide position 1252. The proline at codon 418 is replaced by alanine, an amino acid with highly similar properties. This amino acid position is conserved. In addition, the in silico prediction for this alteration is inconclusive. Based on the available evidence, the clinical significance of this variant remains unclear.